The following is an entry in ClinVar:

NM_015102.5(NPHP4):c.401G>A (p.Arg134Gln)

Gene: NPHP4 (nephrocystin 4; minus strand). Cytogenetic location: 1p36.31.
Variant type: single nucleotide variant.
Coding change: c.401G>A on transcript NM_015102.5 (MANE Select); coding-DNA position 401, G replaced by A.
Protein change: p.Arg134Gln; replaces arginine 134 with glutamine.
Molecular consequence: missense variant. On other transcripts: 5 prime UTR variant (2), non-coding transcript variant (1).
Genome position (GRCh38, 1-based): chr1:5,969,138, C>T on the plus strand (G>A on the coding strand, the complement: NPHP4 is on the minus strand). VCF-style: chr1-5969138-C-T. GRCh37 (hg19) VCF-style: chr1-6029198-C-T.
Other names: c.-829G>A (NM_001291593.2); c.-966G>A (NM_001291594.2); short protein forms R134Q.
Identifiers: ClinVar variation 2102703 (VCV002102703.3), dbSNP rs1233700371, ClinGen allele CA338050219.

ClinVar aggregate classification (germline): Uncertain significance. Review status: criteria provided, multiple submitters, no conflicts (2 of 4 stars). 3 submissions from 3 submitters: Uncertain significance (3). Last evaluated 2024-05-07.

Conditions:
Nephronophthisis 4 (NPHP4). Also called: NEPHRONOPHTHISIS 4, JUVENILE. Identifiers: Orphanet 655, MedGen C1847013, MONDO:0011752, OMIM 606966.
Senior-Loken syndrome 4 (SLSN4). Identifiers: Orphanet 3156, MedGen C1846979, MONDO:0011756, OMIM 606996.
Nephronophthisis. Also called: Juvenile Nephronophthisis. Identifiers: Orphanet 655, MedGen C0687120, MONDO:0019005, HP:0000090.

Allele frequency attached by ClinVar (database versions not stated): gnomAD 0.00001; TOPMed 0.00001.
gnomAD v4.1: 38 of 1,551,932 alleles (0.0024%); highest among the groups gnomAD compares: Non-Finnish European, 0.0031%; no homozygotes.

Submissions (3):

Fulgent Genetics
Classification: Uncertain significance for Nephronophthisis 4; Senior-Loken syndrome 4. Last evaluated: 2024-05-07. Review status: criteria provided, single submitter. Criteria: ACMG Guidelines, 2015. Collection method: clinical testing. Allele origin: germline.

Blueprint Genetics
Classification: Uncertain significance. Last evaluated: 2023-07-06. Review status: criteria provided, single submitter. Criteria: ACMG Guidelines, 2015. Collection method: clinical testing. Allele origin: germline.

Labcorp Genetics (formerly Invitae), Labcorp
Classification: Uncertain significance for Nephronophthisis. Last evaluated: 2022-05-12. Review status: criteria provided, single submitter. Criteria: Invitae Variant Classification Sherloc (09022015). Collection method: clinical testing. Allele origin: germline.
Comment: This sequence change replaces arginine, which is basic and polar, with glutamine, which is neutral and polar, at codon 134 of the NPHP4 protein (p.Arg134Gln). This variant is present in population databases (no rsID available, gnomAD 0.007%). This variant has not been reported in the literature in individuals affected with NPHP4-related conditions. Algorithms developed to predict the effect of missense changes on protein structure and function output the following: SIFT: "Tolerated"; PolyPhen-2: "Benign"; Align-GVGD: "Class C0". The glutamine amino acid residue is found in multiple mammalian species, which suggests that this missense change does not adversely affect protein function. Algorithms developed to predict the effect of sequence changes on RNA splicing suggest that this variant may create or strengthen a splice site. In summary, the available evidence is currently insufficient to determine the role of this variant in disease. Therefore, it has been classified as a Variant of Uncertain Significance.